The following is an entry in ClinVar:

NM_000268.4(NF2):c.1675G>C (p.Asp559His)

Gene: NF2 (NF2, moesin-ezrin-radixin like (MERLIN) tumor suppressor; plus strand). Cytogenetic location: 22q12.2.
Variant type: single nucleotide variant.
Coding change: c.1675G>C on transcript NM_000268.4 (MANE Select); coding-DNA position 1675, G replaced by C.
Protein change: p.Asp559His; replaces aspartic acid 559 with histidine.
Molecular consequence: missense variant. On other transcripts: intron variant (3).
Genome position (GRCh38, 1-based): chr22:29,681,539, G>C. VCF-style: chr22-29681539-G-C. GRCh37 (hg19) VCF-style: chr22-30077528-G-C.
Other names: c.1561G>C, p.Asp521His (NM_001407053.1, NM_001407056.1); c.1552G>C, p.Asp518His (NM_001407054.1, NM_001407058.1, NM_181829.3); c.1549G>C, p.Asp517His (NM_001407055.1, NM_181828.3); c.1540G>C, p.Asp514His (NM_001407057.1, NM_001407059.1); c.1417G>C, p.Asp473His (NM_001407062.1); c.1426G>C, p.Asp476His (NM_001407063.1, NM_181830.3, NM_181831.3); c.1141G>C, p.Asp381His (NM_001407065.1); c.1675G>C, p.Asp559His (NM_001407066.1, NM_016418.5, NM_181825.3 and 1 more transcripts); and 4 more; short protein forms D473H, D518H, D381H, D559H, D476H, D482H, D517H, D514H.
Identifiers: ClinVar variation 3919126 (VCV003919126.2).

ClinVar aggregate classification (germline): Uncertain significance. Review status: criteria provided, multiple submitters, no conflicts (2 of 4 stars). 2 submissions from 2 submitters: Uncertain significance (2). Last evaluated 2025-11-05.

Conditions:
Neurofibromatosis, type 2 (SWNV). Also called: NF2-Related Schwannomatosis; BILATERAL ACOUSTIC NEUROFIBROMATOSIS; SCHWANNOMATOSIS, VESTIBULAR. Identifiers: Orphanet 637, MedGen C0027832, MONDO:0007039, OMIM 101000. Disease mechanism: loss of function.
Hereditary cancer-predisposing syndrome. Also called: Hereditary neoplastic syndrome; Neoplastic Syndromes, Hereditary; Hereditary Cancer Syndrome; Tumor predisposition. Identifiers: Orphanet 140162, MedGen C0027672, MeSH D009386, MONDO:0015356.

Submissions (2):

Labcorp Genetics (formerly Invitae), Labcorp
Classification: Uncertain significance for Neurofibromatosis, type 2. Last evaluated: 2025-11-05. Review status: criteria provided, single submitter. Criteria: Invitae Variant Classification Sherloc (09022015). Collection method: clinical testing. Allele origin: germline.
Comment: This sequence change replaces aspartic acid, which is acidic and polar, with histidine, which is basic and polar, at codon 559 of the NF2 protein (p.Asp559His). This variant is not present in population databases (gnomAD no frequency). This variant has not been reported in the literature in individuals affected with NF2-related conditions. ClinVar contains an entry for this variant (Variation ID: 3919126). Invitae Evidence Modeling of protein sequence and biophysical properties (such as structural, functional, and spatial information, amino acid conservation, physicochemical variation, residue mobility, and thermodynamic stability) has been performed for this missense variant. However, the output from this modeling did not meet the statistical confidence thresholds required to predict the impact of this variant on NF2 protein function. In summary, the available evidence is currently insufficient to determine the role of this variant in disease. Therefore, it has been classified as a Variant of Uncertain Significance.

Ambry Genetics
Classification: Uncertain significance for Hereditary cancer-predisposing syndrome. Last evaluated: 2025-03-22. Review status: criteria provided, single submitter. Criteria: Ambry Variant Classification Scheme 2023. Collection method: clinical testing. Allele origin: germline.
Comment: The p.D559H variant (also known as c.1675G>C), located in coding exon 15 of the NF2 gene, results from a G to C substitution at nucleotide position 1675. The aspartic acid at codon 559 is replaced by histidine, an amino acid with similar properties. This amino acid position is conserved. In addition, this alteration is predicted to be deleterious by in silico analysis. Based on the available evidence, the clinical significance of this variant remains unclear.